The following is an entry in ClinVar:

ClinVar aggregate classification (germline): Uncertain significance (1 of 4 stars; one submission).

Allele frequency attached by ClinVar (database versions not stated): gnomAD exomes below 0.00001; ExAC 0.00002; gnomAD 0.00003 and 0.00004; TOPMed 0.00005.
gnomAD v4.1: 9 of 1,601,668 alleles (0.00056%); highest among the groups gnomAD compares: African/African-American, 0.011%; no homozygotes.

Submission:

GeneDx
Classification: Uncertain significance. Last evaluated: 2021-06-23. Review status: criteria provided, single submitter. Criteria: GeneDx Variant Classification Process June 2021. Collection method: clinical testing. Allele origin: germline. Affected: yes.
Comment: Has not been previously published as pathogenic or benign to our knowledge; Not observed at significant frequency in large population cohorts (Lek et al., 2016); In silico analysis supports that this missense variant does not alter protein structure/function; This variant is associated with the following publications: (PMID: 27535533)

NM_025207.5(FLAD1):c.1157C>T (p.Thr386Ile)

Gene: FLAD1 (flavin adenine dinucleotide synthetase 1; plus strand). Cytogenetic location: 1q21.3.
Variant type: single nucleotide variant.
Coding change: c.1157C>T on transcript NM_025207.5 (MANE Select); coding-DNA position 1157, C replaced by T.
Protein change: p.Thr386Ile; replaces threonine 386 with isoleucine.
Molecular consequence: missense variant.
Genome position (GRCh38, 1-based): chr1:154,989,599, C>T. VCF-style: chr1-154989599-C-T. GRCh37 (hg19) VCF-style: chr1-154962075-C-T.
Other names: c.866C>T, p.Thr289Ile (NM_001184891.2, NM_201398.3); short protein forms T289I, T386I.
Identifiers: ClinVar variation 1303560 (VCV001303560.2), dbSNP rs769162563, ClinGen allele CA1134492.